The following is an entry in ClinVar:

NM_019032.6(ADAMTSL4):c.732del (p.Arg245fs)

Genes: ADAMTSL4 (ADAMTS like 4; plus strand), ADAMTSL4-AS2 (ADAMTSL4 antisense RNA 2; minus strand). Cytogenetic location: 1q21.2.
Variant type: Deletion.
Coding change: c.732del on transcript NM_019032.6 (MANE Select); coding-DNA position 732, one base deleted (C; older notation c.732delC).
Protein change: p.Arg245fs; shifts the reading frame from arginine 245.
Molecular consequence: frameshift variant.
Genome position (GRCh38, 1-based): chr1:150,553,723, C deleted; the last of 2 consecutive C bases (chr1:150,553,722-150,553,723); deleting either gives the same sequence. VCF-style (leftmost placement, unchanged base first): chr1-150553721-AC-A. GRCh37 (hg19) VCF-style: chr1-150526197-AC-A.
Other names: c.732delC (NM_019032.6); c.732del, p.Arg245fs (NM_001288607.2, NM_001288608.2, NM_001378596.1 and 1 more transcripts); short protein forms R245fs.
Identifiers: ClinVar variation 4845814 (VCV004845814.1).

ClinVar aggregate classification (germline): Likely pathogenic (1 of 4 stars; one submission).

Conditions:
Ectopia lentis et pupillae. Also called: ECTOPIA LENTIS WITH ECTOPIA OF PUPIL. Identifiers: Orphanet 1885, MedGen C1644196, MONDO:0009153, OMIM 225200.
Ectopia lentis 2, isolated, autosomal recessive (ECTOL2). Identifiers: Orphanet 1885, MedGen C3541474, MONDO:0009152, OMIM 225100.

Submission:

First Genomix Gene Laboratory, Genetic Diagnostics Department
Classification: Likely pathogenic for Ectopia lentis et pupillae; Ectopia lentis 2, isolated, autosomal recessive. Last evaluated: 2025-03-27. Review status: criteria provided, single submitter. Criteria: ACMG Guidelines, 2015. Collection method: clinical testing. Allele origin: germline. Inheritance: Autosomal recessive inheritance. Affected: no. Observed: 1 variant allele.